The following is an entry in ClinVar:

NM_003801.4(GPAA1):c.1784A>G (p.Tyr595Cys)

Gene: GPAA1 (glycosylphosphatidylinositol anchor attachment 1; plus strand). Cytogenetic location: 8q24.3.
Variant type: single nucleotide variant.
Coding change: c.1784A>G on transcript NM_003801.4 (MANE Select); coding-DNA position 1784, A replaced by G.
Protein change: p.Tyr595Cys; replaces tyrosine 595 with cysteine.
Molecular consequence: missense variant.
Genome position (GRCh38, 1-based): chr8:144,086,043, A>G. VCF-style: chr8-144086043-A-G. GRCh37 (hg19) VCF-style: chr8-145140946-A-G.
Other names: short protein forms Y595C.
Identifiers: ClinVar variation 1356453 (VCV001356453.4), dbSNP rs375160633, ClinGen allele CA4933254.

ClinVar aggregate classification (germline): Uncertain significance. Review status: criteria provided, multiple submitters, no conflicts (2 of 4 stars). 2 submissions from 2 submitters: Uncertain significance (2). Last evaluated 2024-08-14.

Allele frequency attached by ClinVar (database versions not stated): gnomAD exomes 0.00002; ExAC 0.00003; gnomAD 0.00003; TOPMed 0.00003; ESP Exome Variant Server 0.00008; 1000 Genomes Project 30x 0.00031; 1000 Genomes Project 0.00040.
gnomAD v4.1: 30 of 1,612,750 alleles (0.0019%); highest among the groups gnomAD compares: African/African-American, 0.0093%; no homozygotes.

Submissions (2):

Blueprint Genetics
Classification: Uncertain significance. Last evaluated: 2024-08-14. Review status: criteria provided, single submitter. Criteria: ACMG Guidelines, 2015. Collection method: clinical testing. Allele origin: germline.

Labcorp Genetics (formerly Invitae), Labcorp
Classification: Uncertain significance. Last evaluated: 2022-03-19. Review status: criteria provided, single submitter. Criteria: Invitae Variant Classification Sherloc (09022015). Collection method: clinical testing. Allele origin: germline.
Comment: This sequence change replaces tyrosine, which is neutral and polar, with cysteine, which is neutral and slightly polar, at codon 595 of the GPAA1 protein (p.Tyr595Cys). This variant is present in population databases (rs375160633, gnomAD 0.03%). This variant has not been reported in the literature in individuals affected with GPAA1-related conditions. Algorithms developed to predict the effect of missense changes on protein structure and function are either unavailable or do not agree on the potential impact of this missense change (SIFT: "Deleterious"; PolyPhen-2: "Probably Damaging"; Align-GVGD: "Class C0"). In summary, the available evidence is currently insufficient to determine the role of this variant in disease. Therefore, it has been classified as a Variant of Uncertain Significance.